The following is an entry in ClinVar:

NM_198935.3(SS18L1):c.824-7del

Gene: SS18L1 (SS18L1 subunit of BAF chromatin remodeling complex; plus strand). Cytogenetic location: 20q13.33.
Variant type: Deletion.
Coding change: c.824-7del on transcript NM_198935.3 (MANE Select); 7 bases into the intron before coding-DNA position 824, one base deleted (C; older notation c.824-7delC).
Molecular consequence: intron variant.
Genome position (GRCh38, 1-based): chr20:62,165,415, C deleted. VCF-style (leftmost placement, unchanged base first): chr20-62165414-TC-T. GRCh37 (hg19) VCF-style: chr20-60740470-TC-T.
Other names: NC_000020.10:g.60740471del; c.431-7del (NM_001301778.2).
Identifiers: ClinVar variation 777605 (VCV000777605.6), dbSNP rs11478813, ClinGen allele CA9937287.
Genomic context (GRCh38, chr20:62,165,414, plus strand): 5'-AGTTGCCTCCTCCGGGACCTGTGCAGTGCACAGCCTCCGCTGACTGTCGCCGTCTCCGTT[TC>T]GCACAGGCCATGGCGATTACGCCTACCAGCAGTCATCCTACACGGAGCAGAGCTACGACC-3'

ClinVar aggregate classification (germline): Benign. Review status: criteria provided, single submitter (1 of 4 stars). 2 submissions from 2 submitters: Benign (1). 1 of the submissions does not count toward it. Last evaluated 2018-07-15.

Conditions:
SS18L1-related disorder. Also called: SS18L1-related condition.

Allele frequency attached by ClinVar (database versions not stated): gnomAD exomes 0.00186 and 0.00334; ExAC 0.00492; 1000 Genomes Project 30x 0.01140; 1000 Genomes Project 0.01158; gnomAD 0.01207 and 0.01291; TOPMed 0.01345; ESP Exome Variant Server 0.01502.

Submissions (3):

Labcorp Genetics (formerly Invitae), Labcorp
Classification: Benign. Last evaluated: 2018-07-15. Review status: criteria provided, single submitter. Criteria: Invitae Variant Classification Sherloc (09022015). Collection method: clinical testing. Allele origin: germline.

PreventionGenetics, part of Exact Sciences
Classification: Benign for SS18L1-related condition. Last evaluated: 2019-03-25. Review status: no assertion criteria provided. Collection method: clinical testing. Allele origin: germline. Not counted in ClinVar's aggregate classification.
Comment: This variant is classified as benign based on ACMG/AMP sequence variant interpretation guidelines (Richards et al. 2015 PMID: 25741868, with internal and published modifications).

Dr. Peter K. Rogan Lab, Western University
No classification provided (evidence only). Condition: Gastric cancer. Review status: no classification provided. Collection method: in vitro. Allele origin: not applicable. Functional consequence: retained intron. Not counted in ClinVar's aggregate classification.